The following is an entry in ClinVar:

NM_005188.4(CBL):c.1082T>A (p.Ile361Asn)

Gene: CBL (Cbl proto-oncogene; plus strand). Cytogenetic location: 11q23.3.
Variant type: single nucleotide variant.
Coding change: c.1082T>A on transcript NM_005188.4 (MANE Select); coding-DNA position 1082, T replaced by A.
Protein change: p.Ile361Asn; replaces isoleucine 361 with asparagine.
Molecular consequence: missense variant.
Genome position (GRCh38, 1-based): chr11:119,277,831, T>A. VCF-style: chr11-119277831-T-A. GRCh37 (hg19) VCF-style: chr11-119148541-T-A.
Other names: short protein forms I361N.
Identifiers: ClinVar variation 3699473 (VCV003699473.2).

ClinVar aggregate classification (germline): Uncertain significance (1 of 4 stars; one submission).

Conditions:
RASopathy. Also called: Noonan spectrum disorder; rasopathies. Identifiers: Orphanet 536391, MedGen C5555857, MONDO:0021060.

Submission:

Labcorp Genetics (formerly Invitae), Labcorp
Classification: Uncertain significance for RASopathy. Last evaluated: 2025-12-03. Review status: criteria provided, single submitter. Criteria: Invitae Variant Classification Sherloc (09022015). Collection method: clinical testing. Allele origin: germline.
Comment: This sequence change replaces isoleucine, which is neutral and non-polar, with asparagine, which is neutral and polar, at codon 361 of the CBL protein (p.Ile361Asn). This variant is not present in population databases (gnomAD no frequency). This variant has not been reported in the literature in individuals affected with CBL-related conditions. ClinVar contains an entry for this variant (Variation ID: 3699473). Invitae Evidence Modeling of protein sequence and biophysical properties (such as structural, functional, and spatial information, amino acid conservation, physicochemical variation, residue mobility, and thermodynamic stability) indicates that this missense variant is expected to disrupt CBL protein function with a positive predictive value of 95%. In summary, the available evidence is currently insufficient to determine the role of this variant in disease. Therefore, it has been classified as a Variant of Uncertain Significance.